The following is an entry in ClinVar:

NM_001040108.2(MLH3):c.1768del (p.Cys590fs)

Gene: MLH3 (mutL homolog 3; minus strand). Cytogenetic location: 14q24.3.
Variant type: Deletion.
Coding change: c.1768del on transcript NM_001040108.2 (MANE Select); coding-DNA position 1768, one base deleted (T; older notation c.1768delT).
Protein change: p.Cys590fs; shifts the reading frame from cysteine 590.
Molecular consequence: frameshift variant.
Genome position (GRCh38, 1-based): chr14:75,047,888, A deleted on the plus strand (T on the coding strand, the reverse complement: MLH3 is on the minus strand); the first of 2 consecutive A bases (chr14:75,047,888-75,047,889); deleting either gives the same sequence. VCF-style (leftmost placement, unchanged base first): chr14-75047887-CA-C. GRCh37 (hg19) VCF-style: chr14-75514590-CA-C.
Other names: c.1768del, p.Cys590fs (NM_014381.3); short protein forms C590fs.
Identifiers: ClinVar variation 5042301 (VCV005042301.1).

ClinVar aggregate classification (germline): Pathogenic (1 of 4 stars; one submission).

Conditions:
Colorectal cancer, hereditary nonpolyposis, type 7. Identifiers: Orphanet 144, MedGen C1858380, MONDO:0013725, OMIM 614385.

Submission:

Myriad Genetics, Inc.
Classification: Pathogenic for Colorectal cancer, hereditary nonpolyposis, type 7. Last evaluated: 2026-09-28. Review status: criteria provided, single submitter. Criteria: Myriad Autosomal Dominant, Autosomal Recessive and X-Linked Classification Criteria (2023). Collection method: clinical testing. Allele origin: unknown.
Comment: This variant is considered pathogenic. This variant creates a frameshift predicted to result in premature protein truncation.